The following is an entry in ClinVar:

NM_001113378.2(FANCI):c.488C>A (p.Thr163Asn)

Gene: FANCI (FA complementation group I; plus strand). Cytogenetic location: 15q26.1.
Variant type: single nucleotide variant.
Coding change: c.488C>A on transcript NM_001113378.2 (MANE Select); coding-DNA position 488, C replaced by A.
Protein change: p.Thr163Asn; replaces threonine 163 with asparagine.
Molecular consequence: missense variant.
Genome position (GRCh38, 1-based): chr15:89,261,863, C>A. VCF-style: chr15-89261863-C-A. GRCh37 (hg19) VCF-style: chr15-89805094-C-A.
Other names: c.209C>A, p.Thr70Asn (NM_001376910.1); c.488C>A, p.Thr163Asn (NM_001376911.1, NM_018193.3); short protein forms T163N, T70N.
Identifiers: ClinVar variation 642442 (VCV000642442.7), dbSNP rs574154974, ClinGen allele CA7722639.
Genomic context (GRCh38, chr15:89,261,863, plus strand): 5'-TATATTTTGCATTTCTAGGTGTACTGAGTGGGGAAGAATGTAAGAAACAGTTGATTAACA[C>A]CCTGTGTTCTGGCAGGTGAGTCTTGTTAATATGTATAACTTTCTTAGGAATACAAGTGGC-3'
Protein context (NP_001106849.1, residues 153-173): GEECKKQLIN[Thr163Asn]LCSGRWDQQY

ClinVar aggregate classification (germline): Uncertain significance. Review status: criteria provided, multiple submitters, no conflicts (2 of 4 stars). 2 submissions from 2 submitters: Uncertain significance (2). Last evaluated 2024-06-03.

Conditions:
Fanconi anemia (FA). Also called: Fanconi's anemia. Identifiers: Orphanet 84, MedGen C0015625, MeSH D005199, MONDO:0019391.
Fanconi anemia complementation group I (FANCI). Also called: FANCI-Related Fanconi Anemia. Identifiers: Orphanet 84, MedGen C1836861, MONDO:0012186, OMIM 609053.

Allele frequency attached by ClinVar (database versions not stated): TOPMed 0.00002; ExAC 0.00003; gnomAD 0.00003; gnomAD exomes 0.00004; 1000 Genomes Project 30x 0.00016; 1000 Genomes Project 0.00020.
gnomAD v4.1: 19 of 1,613,972 alleles (0.0012%); highest among the groups gnomAD compares: East Asian, 0.029%; no homozygotes.

Submissions (2):

Fulgent Genetics
Classification: Uncertain significance for Fanconi anemia complementation group I. Last evaluated: 2024-06-03. Review status: criteria provided, single submitter. Criteria: ACMG Guidelines, 2015. Collection method: clinical testing. Allele origin: germline.

Labcorp Genetics (formerly Invitae), Labcorp
Classification: Uncertain significance for Fanconi anemia. Last evaluated: 2022-06-08. Review status: criteria provided, single submitter. Criteria: Invitae Variant Classification Sherloc (09022015). Collection method: clinical testing. Allele origin: germline.
Comment: This sequence change replaces threonine, which is neutral and polar, with asparagine, which is neutral and polar, at codon 163 of the FANCI protein (p.Thr163Asn). This variant is present in population databases (rs574154974, gnomAD 0.06%). This variant has not been reported in the literature in individuals affected with FANCI-related conditions. ClinVar contains an entry for this variant (Variation ID: 642442). Algorithms developed to predict the effect of missense changes on protein structure and function are either unavailable or do not agree on the potential impact of this missense change (SIFT: "Deleterious"; PolyPhen-2: "Benign"; Align-GVGD: "Class C0"). In summary, the available evidence is currently insufficient to determine the role of this variant in disease. Therefore, it has been classified as a Variant of Uncertain Significance.